The following is an entry in ClinVar:

ClinVar aggregate classification (germline): Uncertain significance (1 of 4 stars; one submission).

Conditions:
Primary familial hypertrophic cardiomyopathy (HCM). Identifiers: Orphanet 99739, MedGen C0949658, MeSH D024741, MONDO:0024573. Inheritance: Various modes of inheritance.
Dilated cardiomyopathy 1AA (CMD1AA). Also called: CARDIOMYOPATHY, DILATED, 1AA, WITH OR WITHOUT LEFT VENTRICULAR NONCOMPACTION; CARDIOMYOPATHY, FAMILIAL HYPERTROPHIC, 23, WITH OR WITHOUT LEFT VENTRICULAR NONCOMPACTION; Cardiomyopathy, dilated, 1AA, with or without LVNC. Identifiers: Orphanet 154, MedGen C2677338, MONDO:0012808, OMIM 612158.

Allele frequency attached by ClinVar (database versions not stated): gnomAD exomes below 0.00001.
gnomAD v4.1: 4 of 1,613,108 alleles (0.00025%); highest among the groups gnomAD compares: Non-Finnish European, 0.00034%; no homozygotes.

Submission:

Labcorp Genetics (formerly Invitae), Labcorp
Classification: Uncertain significance for Primary familial hypertrophic cardiomyopathy; Dilated cardiomyopathy 1AA. Last evaluated: 2022-02-19. Review status: criteria provided, single submitter. Criteria: Invitae Variant Classification Sherloc (09022015). Collection method: clinical testing. Allele origin: germline.
Comment: Advanced modeling of protein sequence and biophysical properties (such as structural, functional, and spatial information, amino acid conservation, physicochemical variation, residue mobility, and thermodynamic stability) performed at Invitae indicates that this missense variant is not expected to disrupt ACTN2 protein function. In summary, the available evidence is currently insufficient to determine the role of this variant in disease. Therefore, it has been classified as a Variant of Uncertain Significance. This missense change has been observed in individual(s) with dilated cardiomyopathy (PMID: 27532257). This variant is not present in population databases (gnomAD no frequency). This sequence change replaces phenylalanine, which is neutral and non-polar, with leucine, which is neutral and non-polar, at codon 44 of the ACTN2 protein (p.Phe44Leu).

Literature cited by the submitters: PubMed 27532257.

NM_001103.4(ACTN2):c.130T>C (p.Phe44Leu)

Gene: ACTN2 (actinin alpha 2; plus strand). Cytogenetic location: 1q43.
Variant type: single nucleotide variant.
Coding change: c.130T>C on transcript NM_001103.4 (MANE Select); coding-DNA position 130, T replaced by C.
Protein change: p.Phe44Leu; replaces phenylalanine 44 with leucine.
Molecular consequence: missense variant. On other transcripts: 5 prime UTR variant (1).
Genome position (GRCh38, 1-based): chr1:236,717,861, T>C. VCF-style: chr1-236717861-T-C. GRCh37 (hg19) VCF-style: chr1-236881161-T-C.
Other names: c.130T>C, p.Phe44Leu (NM_001278343.2); c.-692T>C (NM_001278344.2); c.-817T>C (NM_001412150.1); short protein forms F44L.
Identifiers: ClinVar variation 2203004 (VCV002203004.4), dbSNP rs2527534527, ClinGen allele CA345373177.